The following is an entry in ClinVar:

NM_006516.4(SLC2A1):c.748C>T (p.Gln250Ter)

Gene: SLC2A1 (solute carrier family 2 member 1; minus strand). Cytogenetic location: 1p34.2.
Variant type: single nucleotide variant.
Coding change: c.748C>T on transcript NM_006516.4 (MANE Select); coding-DNA position 748, C replaced by T.
Protein change: p.Gln250Ter; replaces glutamine 250 with a stop codon.
Molecular consequence: nonsense.
Genome position (GRCh38, 1-based): chr1:42,929,712, G>A on the plus strand (C>T on the coding strand, the complement: SLC2A1 is on the minus strand). VCF-style: chr1-42929712-G-A. GRCh37 (hg19) VCF-style: chr1-43395383-G-A.
Other names: p.Q250*:CAG>TAG; short protein forms Q250*.
Identifiers: ClinVar variation 159928 (VCV000159928.8), dbSNP rs587784396, ClinGen allele CA019302.

ClinVar aggregate classification (germline): Pathogenic. Review status: criteria provided, multiple submitters, no conflicts (2 of 4 stars). 3 submissions from 3 submitters: Pathogenic (3). Last evaluated 2023-04-11.

Conditions:
Encephalopathy due to GLUT1 deficiency. Also called: Glucose transporter protein syndrome; GLUCOSE TRANSPORT DEFECT, BLOOD-BRAIN BARRIER; De Vivo disease; GLUT1 deficiency syndrome 1; GLUT1 deficiency syndrome 1, infantile onset, severe; Classic Glucose Transporter Type 1 Deficiency Syndrome. Identifiers: Orphanet 71277, MedGen C4551966, MONDO:0011724, OMIM 606777.

Submissions (3):

Genome-Nilou Lab
Classification: Pathogenic for Encephalopathy due to GLUT1 deficiency. Last evaluated: 2023-04-11. Review status: criteria provided, single submitter. Criteria: ACMG Guidelines, 2015. Collection method: clinical testing. Allele origin: germline. Affected: no.

GeneDx
Classification: Pathogenic. Last evaluated: 2014-01-10. Review status: criteria provided, single submitter. Criteria: GeneDx Variant Classification (06012015). Collection method: clinical testing. Allele origin: germline. Affected: yes.
Comment: p.Gln250Stop (CAG>TAG): c.748 C>T in exon 6 of the SLC2A1 gene (NM_006516.2)The Gln250Stop nonsense mutation in the SLC2A1 gene is predicted to cause loss of normal protein function through protein truncation. Additionally, several other missense and nonsense mutations associated with GLUT1 deficiency syndrome have been reported in this region of the protein. The Gln250Stop mutation has not been reported previously to our knowledge. The variant is found in EPILEPSY panel(s).

Genetic Services Laboratory, University of Chicago
Classification: Pathogenic for GLUT1 deficiency syndrome 1. Last evaluated: 2013-12-11. Review status: criteria provided, single submitter. Criteria: ACMG Guidelines, 2007. Collection method: clinical testing. Allele origin: germline. Inheritance: Autosomal dominant inheritance. Affected: yes.